The following is an entry in ClinVar:

NM_000814.6(GABRB3):c.398_400dup (p.Gly133_Val134insGly)

Gene: GABRB3 (gamma-aminobutyric acid type A receptor subunit beta3; minus strand). Cytogenetic location: 15q12.
Variant type: Duplication.
Coding change: c.398_400dup on transcript NM_000814.6 (MANE Select); coding-DNA positions 398 to 400, 3 bases duplicated (GAG; older notation c.398_400dupGAG).
Protein change: p.Gly133_Val134insGly.
Molecular consequence: inframe insertion. On other transcripts: non-coding transcript variant (1).
Genome position (GRCh38, 1-based): chr15:26,621,375-26,621,377, CTC duplicated on the plus strand (GAG on the coding strand, the reverse complement: GABRB3 is on the minus strand); duplicating any 3 consecutive bases within chr15:26,621,375-26,621,378 gives the same sequence; the c. name uses the placement nearest the transcript's 3' end. VCF-style (leftmost placement, unchanged base first): chr15-26621374-A-ACTC. GRCh37 (hg19) VCF-style: chr15-26866521-A-ACTC.
Other names: c.143_145dup, p.Gly48_Val49insGly (NM_001191320.2, NM_001278631.2); c.185_187dup, p.Gly62_Val63insGly (NM_001191321.3); c.398_400dup, p.Gly133_Val134insGly (NM_021912.5).
Identifiers: ClinVar variation 2122156 (VCV002122156.4), dbSNP rs2504329220, ClinGen allele CA2580089144.

ClinVar aggregate classification (germline): Likely pathogenic (1 of 4 stars; one submission).

Conditions:
Epilepsy, childhood absence, susceptibility to, 5. Identifiers: Orphanet 64280, MedGen C2677087, MONDO:0012843, OMIM 612269.
Epilepsy, childhood absence, susceptibility to, 1. Also called: Epilepsy, childhood absence 1. Identifiers: Orphanet 64280, MedGen C1838604, MONDO:0020759, OMIM 600131.

Submission:

Labcorp Genetics (formerly Invitae), Labcorp
Classification: Likely pathogenic for Epilepsy, childhood absence, susceptibility to, 5; Epilepsy, childhood absence, susceptibility to, 1. Last evaluated: 2022-07-22. Review status: criteria provided, single submitter. Criteria: Invitae Variant Classification Sherloc (09022015). Collection method: clinical testing. Allele origin: germline.
Comment: This variant, c.398_400dup, results in the insertion of 1 amino acid(s) of the GABRB3 protein (p.Gly133dup), but otherwise preserves the integrity of the reading frame. In summary, the currently available evidence indicates that the variant is pathogenic, but additional data are needed to prove that conclusively. Therefore, this variant has been classified as Likely Pathogenic. Experimental studies and prediction algorithms are not available or were not evaluated, and the functional significance of this variant is currently unknown. This variant has been observed in individual(s) with clinical features of GABRB3-related conditions (Invitae). In at least one individual the variant was observed to be de novo. This variant is not present in population databases (gnomAD no frequency).